The following is an entry in ClinVar:

ClinVar aggregate classification (germline): Pathogenic/Likely pathogenic. Review status: criteria provided, multiple submitters, no conflicts (2 of 4 stars). 2 submissions from 2 submitters: Pathogenic (1); Likely pathogenic (1). Last evaluated 2023-10-13.

Conditions:
Autosomal recessive early-onset Parkinson disease 6 (PARK6). Also called: PARKINSON DISEASE 6, EARLY-ONSET; PINK1 Type of Young-Onset Parkinson Disease; PARKINSON DISEASE 6, MODIFIER OF; PINK1-Related Parkinson Disease. Identifiers: Orphanet 2828, MedGen C1853833, MONDO:0011613, OMIM 605909.

gnomAD v4.1: 1 of 1,612,924 alleles (0.000062%); no homozygotes.

Submissions (2):

Labcorp Genetics (formerly Invitae), Labcorp
Classification: Pathogenic for Autosomal recessive early-onset Parkinson disease 6. Last evaluated: 2023-10-13. Review status: criteria provided, single submitter. Criteria: Invitae Variant Classification Sherloc (09022015). Collection method: clinical testing. Allele origin: germline.
Comment: This sequence change affects an acceptor splice site in intron 6 of the PINK1 gene. It is expected to disrupt RNA splicing. Variants that disrupt the donor or acceptor splice site typically lead to a loss of protein function (PMID: 16199547), and loss-of-function variants in PINK1 are known to be pathogenic (PMID: 15087508, 15349870). This variant is not present in population databases (gnomAD no frequency). Disruption of this splice site has been observed in individual(s) with early-onset Parkinson disease (Invitae). In at least one individual the data is consistent with being in trans (on the opposite chromosome) from a pathogenic variant. ClinVar contains an entry for this variant (Variation ID: 934238). Algorithms developed to predict the effect of sequence changes on RNA splicing suggest that this variant may disrupt the consensus splice site. For these reasons, this variant has been classified as Pathogenic.

Department of Pathology and Laboratory Medicine, Sinai Health System
Classification: Likely pathogenic for Autosomal recessive early-onset Parkinson disease 6. Last evaluated: 2023-03-07. Review status: criteria provided, single submitter. Criteria: ACMG Guidelines, 2015. Collection method: research. Allele origin: germline.

Literature cited by the submitters: PubMed 16199547 (cited by Labcorp Genetics (formerly Invitae), Labcorp); PubMed 15087508 (cited by Labcorp Genetics (formerly Invitae), Labcorp); PubMed 15349870 (cited by Labcorp Genetics (formerly Invitae), Labcorp).

NM_032409.3(PINK1):c.1252-1G>A

Genes: PINK1 (PTEN induced kinase 1; plus strand), PINK1-AS (PINK1 antisense RNA; minus strand). Cytogenetic location: 1p36.12.
Variant type: single nucleotide variant.
Coding change: c.1252-1G>A on transcript NM_032409.3 (MANE Select); the canonical splice acceptor site of the intron before coding-DNA position 1252, G replaced by A.
Molecular consequence: splice acceptor variant. On other transcripts: non-coding transcript variant (1).
Genome position (GRCh38, 1-based): chr1:20,648,994, G>A. VCF-style: chr1-20648994-G-A. GRCh37 (hg19) VCF-style: chr1-20975487-G-A.
Identifiers: ClinVar variation 934238 (VCV000934238.9), dbSNP rs2053228483, ClinGen allele CA338837287.